The following is an entry in ClinVar:

NM_032043.3(BRIP1):c.2913A>G (p.Pro971=)

Gene: BRIP1 (BRCA1 interacting DNA helicase 1; minus strand). Cytogenetic location: 17q23.2.
Variant type: single nucleotide variant.
Coding change: c.2913A>G on transcript NM_032043.3 (MANE Select); coding-DNA position 2913, A replaced by G.
Protein change: p.Pro971=; no amino-acid change (proline 971 retained).
Molecular consequence: synonymous variant.
Genome position (GRCh38, 1-based): chr17:61,684,133, T>C on the plus strand (A>G on the coding strand, the complement: BRIP1 is on the minus strand). VCF-style: chr17-61684133-T-C. GRCh37 (hg19) VCF-style: chr17-59761494-T-C.
Identifiers: ClinVar variation 765736 (VCV000765736.19), dbSNP rs1603275716, ClinGen allele CA501143329.

ClinVar aggregate classification (germline): Conflicting classifications of pathogenicity. Review status: criteria provided, conflicting classifications (1 of 4 stars). 4 submissions from 4 submitters: Uncertain significance (1); Benign (1); Likely benign (2). Last evaluated 2025-08-03.

Conditions:
Familial cancer of breast. Also called: Hereditary breast cancer; BREAST CANCER, FAMILIAL; hereditary breast carcinoma. Identifiers: Orphanet 227535, MedGen C0346153, MONDO:0016419, OMIM 114480. Disease mechanism: loss of function.
Hereditary cancer-predisposing syndrome. Also called: Tumor predisposition; Hereditary Cancer Syndrome; Neoplastic Syndromes, Hereditary; Hereditary neoplastic syndrome. Identifiers: Orphanet 140162, MedGen C0027672, MeSH D009386, MONDO:0015356.
Fanconi anemia complementation group J. Also called: BRIP1-Related Fanconi Anemia. Identifiers: Orphanet 84, MedGen C1836860, MONDO:0012187, OMIM 609054.

Allele frequency attached by ClinVar (database versions not stated): gnomAD exomes below 0.00001.
gnomAD v4.1: 2 of 1,613,614 alleles (0.00012%); highest among the groups gnomAD compares: Non-Finnish European, 0.00017%; no homozygotes.

Submissions (4):

Labcorp Genetics (formerly Invitae), Labcorp
Classification: Likely benign for Familial cancer of breast; Fanconi anemia complementation group J. Last evaluated: 2025-08-03. Review status: criteria provided, single submitter. Criteria: Invitae Variant Classification Sherloc (09022015). Collection method: clinical testing. Allele origin: germline.

Myriad Genetics, Inc.
Classification: Benign for Familial cancer of breast. Last evaluated: 2024-09-09. Review status: criteria provided, single submitter. Criteria: Myriad Autosomal Dominant, Autosomal Recessive and X-Linked Classification Criteria (2023). Collection method: clinical testing. Allele origin: unknown.
Comment: This variant is considered benign. This variant is a silent/synonymous amino acid change and it is not expected to impact splicing.

Quest Diagnostics Nichols Institute San Juan Capistrano
Classification: Uncertain significance. Last evaluated: 2019-06-23. Review status: criteria provided, single submitter. Criteria: Quest Diagnostics criteria. Collection method: clinical testing. Allele origin: germline.

Ambry Genetics
Classification: Likely benign for Hereditary cancer-predisposing syndrome. Last evaluated: 2018-03-18. Review status: criteria provided, single submitter. Criteria: Ambry Variant Classification Scheme 2023. Collection method: clinical testing. Allele origin: germline.